The following is an entry in ClinVar:

NM_030665.4(RAI1):c.1302C>T (p.Ser434=)

Gene: RAI1 (retinoic acid induced 1; plus strand). Cytogenetic location: 17p11.2.
Variant type: single nucleotide variant.
Coding change: c.1302C>T on transcript NM_030665.4 (MANE Select); coding-DNA position 1302, C replaced by T.
Protein change: p.Ser434=; no amino-acid change (serine 434 retained).
Molecular consequence: synonymous variant.
Genome position (GRCh38, 1-based): chr17:17,794,250, C>T. VCF-style: chr17-17794250-C-T. GRCh37 (hg19) VCF-style: chr17-17697564-C-T.
Identifiers: ClinVar variation 3357778 (VCV003357778.1).
Genomic context (GRCh38, chr17:17,794,250, plus strand): 5'-CAAGCCCCTTCAGAAGGACAAGCTCCCTGAGAACCTGCTGTCGGATCTCAGCCTGCAGAG[C>T]CTCACGGCGCTGACCTCACAGGTGGAGAACATCTCCAACACCGTCCAGCAGCTGCTGCTC-3'
Protein context (NP_109590.3, residues 424-444): ENLLSDLSLQ[Ser434=]LTALTSQVEN

ClinVar aggregate classification (germline): Likely benign (0 of 4 stars; one submission).

Conditions:
RAI1-related disorder. Also called: RAI1-related condition.

Submission:

PreventionGenetics, part of Exact Sciences
Classification: Likely benign for RAI1-related condition. Last evaluated: 2024-05-31. Review status: no assertion criteria provided. Collection method: clinical testing. Allele origin: germline.
Comment: This variant is classified as likely benign based on ACMG/AMP sequence variant interpretation guidelines (Richards et al. 2015 PMID: 25741868, with internal and published modifications).